The following is an entry in ClinVar:

ClinVar aggregate classification (germline): Uncertain significance (1 of 4 stars; one submission).

gnomAD v4.1: 1 of 1,614,098 alleles (0.000062%); no homozygotes.

Submission:

Labcorp Genetics (formerly Invitae), Labcorp
Classification: Uncertain significance. Last evaluated: 2022-06-27. Review status: criteria provided, single submitter. Criteria: Invitae Variant Classification Sherloc (09022015). Collection method: clinical testing. Allele origin: germline.
Comment: In summary, the available evidence is currently insufficient to determine the role of this variant in disease. Therefore, it has been classified as a Variant of Uncertain Significance. Advanced modeling of protein sequence and biophysical properties (such as structural, functional, and spatial information, amino acid conservation, physicochemical variation, residue mobility, and thermodynamic stability) performed at Invitae indicates that this missense variant is not expected to disrupt SERPING1 protein function. This variant has not been reported in the literature in individuals affected with SERPING1-related conditions. This variant is not present in population databases (gnomAD no frequency). This sequence change replaces valine, which is neutral and non-polar, with alanine, which is neutral and non-polar, at codon 45 of the SERPING1 protein (p.Val45Ala).

NM_000062.3(SERPING1):c.134T>C (p.Val45Ala)

Gene: SERPING1 (serpin family G member 1; plus strand). Cytogenetic location: 11q12.1.
Variant type: single nucleotide variant.
Coding change: c.134T>C on transcript NM_000062.3 (MANE Select); coding-DNA position 134, T replaced by C.
Protein change: p.Val45Ala; replaces valine 45 with alanine.
Molecular consequence: missense variant.
Genome position (GRCh38, 1-based): chr11:57,599,961, T>C. VCF-style: chr11-57599961-T-C. GRCh37 (hg19) VCF-style: chr11-57367434-T-C.
Other names: c.134T>C, p.Val45Ala (NM_001032295.2); short protein forms V45A.
Identifiers: ClinVar variation 1478827 (VCV001478827.8), dbSNP rs1945328472, ClinGen allele CA380694495.